The following is an entry in ClinVar:

ClinVar aggregate classification (germline): Uncertain significance (1 of 4 stars; one submission).

Conditions:
Gastrointestinal stromal tumor. Also called: Gastrointestinal stromal tumor, somatic; Gastrointestinal stroma tumor. Identifiers: Orphanet 44890, MedGen C0238198, MeSH D046152, MONDO:0011719, OMIM 606764, HP:0100723.
Pheochromocytoma/paraganglioma syndrome 3. Also called: GLOMUS TUMORS, FAMILIAL, 3; Paragangliomas 3; SDHC-Related Hereditary Paraganglioma-Pheochromocytoma Syndrome (Paragangliomas 3); SDHC-Related Hereditary Paraganglioma-Pheochromocytoma Syndrome. Identifiers: Orphanet 29072, MedGen C1854336, MONDO:0011544, OMIM 605373.

Submission:

Labcorp Genetics (formerly Invitae), Labcorp
Classification: Uncertain significance for Pheochromocytoma/paraganglioma syndrome 3; Gastrointestinal stromal tumor. Last evaluated: 2024-03-13. Review status: criteria provided, single submitter. Criteria: Invitae Variant Classification Sherloc (09022015). Collection method: clinical testing. Allele origin: germline.
Comment: This sequence change replaces cysteine, which is neutral and slightly polar, with tyrosine, which is neutral and polar, at codon 107 of the SDHC protein (p.Cys107Tyr). This variant is not present in population databases (gnomAD no frequency). This variant has not been reported in the literature in individuals affected with SDHC-related conditions. Algorithms developed to predict the effect of missense changes on protein structure and function output the following: SIFT: "Not Available"; PolyPhen-2: "Benign"; Align-GVGD: "Not Available". The tyrosine amino acid residue is found in multiple mammalian species, which suggests that this missense change does not adversely affect protein function. In summary, the available evidence is currently insufficient to determine the role of this variant in disease. Therefore, it has been classified as a Variant of Uncertain Significance.

NM_003001.5(SDHC):c.320G>A (p.Cys107Tyr)

Gene: SDHC (succinate dehydrogenase complex subunit C; plus strand). Cytogenetic location: 1q23.3.
Variant type: single nucleotide variant.
Coding change: c.320G>A on transcript NM_003001.5 (MANE Select); coding-DNA position 320, G replaced by A.
Protein change: p.Cys107Tyr; replaces cysteine 107 with tyrosine.
Molecular consequence: missense variant. On other transcripts: non-coding transcript variant (1), intron variant (3).
Genome position (GRCh38, 1-based): chr1:161,356,755, G>A. VCF-style: chr1-161356755-G-A. GRCh37 (hg19) VCF-style: chr1-161326545-G-A.
Other names: c.209G>A, p.Cys70Tyr (NM_001407119.1, NM_001407120.1); c.242-5574G>A (NM_001035511.3); c.140-5574G>A (NM_001278172.3); c.185-5574G>A (NM_001407121.1); c.257G>A, p.Cys86Tyr (NM_001407117.1); c.212G>A, p.Cys71Tyr (NM_001407118.1); c.218G>A, p.Cys73Tyr (NM_001035512.3); c.161G>A, p.Cys54Tyr (NM_001035513.3); and 2 more; short protein forms C107Y, C147Y, C54Y, C70Y, C71Y, C73Y, C86Y, C88Y.
Identifiers: ClinVar variation 3755258 (VCV003755258.2).